The following is an entry in ClinVar:

NM_001080467.3(MYO5B):c.952A>G (p.Lys318Glu)

Gene: MYO5B (myosin VB; minus strand). Cytogenetic location: 18q21.1.
Variant type: single nucleotide variant.
Coding change: c.952A>G on transcript NM_001080467.3 (MANE Select); coding-DNA position 952, A replaced by G.
Protein change: p.Lys318Glu; replaces lysine 318 with glutamic acid.
Molecular consequence: missense variant.
Genome position (GRCh38, 1-based): chr18:49,980,548, T>C on the plus strand (A>G on the coding strand, the complement: MYO5B is on the minus strand). VCF-style: chr18-49980548-T-C. GRCh37 (hg19) VCF-style: chr18-47506918-T-C.
Other names: c.952A>G (NM_001080467.2); short protein forms K318E.
Identifiers: ClinVar variation 1384753 (VCV001384753.12), dbSNP rs199755279, ClinGen allele CA8961687.

ClinVar aggregate classification (germline): Uncertain significance. Review status: criteria provided, multiple submitters, no conflicts (2 of 4 stars). 3 submissions from 3 submitters: Uncertain significance (2). 1 of the submissions does not count toward it. Last evaluated 2026-01-27.

Conditions:
MYO5B-related disorder. Also called: MYO5B-related condition.
Inborn genetic diseases. Identifiers: MedGen C0950123, MeSH D030342.

Allele frequency attached by ClinVar (database versions not stated): gnomAD exomes 0.00005 and 0.00009; ExAC 0.00012; ESP Exome Variant Server 0.00033; 1000 Genomes Project 30x 0.00047; gnomAD 0.00047 and 0.00049; TOPMed 0.00057; 1000 Genomes Project 0.00060.

Submissions (3):

Labcorp Genetics (formerly Invitae), Labcorp
Classification: Uncertain significance. Last evaluated: 2026-01-27. Review status: criteria provided, single submitter. Criteria: Invitae Variant Classification Sherloc (09022015). Collection method: clinical testing. Allele origin: germline.
Comment: This sequence change replaces lysine, which is basic and polar, with glutamic acid, which is acidic and polar, at codon 318 of the MYO5B protein (p.Lys318Glu). This variant is present in population databases (rs199755279, gnomAD 0.1%). This variant has not been reported in the literature in individuals affected with MYO5B-related conditions. ClinVar contains an entry for this variant (Variation ID: 1384753). Invitae Evidence Modeling of protein sequence and biophysical properties (such as structural, functional, and spatial information, amino acid conservation, physicochemical variation, residue mobility, and thermodynamic stability) indicates that this missense variant is not expected to disrupt MYO5B protein function with a negative predictive value of 80%. In summary, the available evidence is currently insufficient to determine the role of this variant in disease. Therefore, it has been classified as a Variant of Uncertain Significance.

Ambry Genetics
Classification: Uncertain significance for Inborn genetic diseases. Last evaluated: 2024-06-19. Review status: criteria provided, single submitter. Criteria: Ambry Variant Classification Scheme 2023. Collection method: clinical testing. Allele origin: germline.

PreventionGenetics, part of Exact Sciences
Classification: Uncertain significance for MYO5B-related condition. Last evaluated: 2024-07-26. Review status: no assertion criteria provided. Collection method: clinical testing. Allele origin: germline. Not counted in ClinVar's aggregate classification.
Comment: The MYO5B c.952A>G variant is predicted to result in the amino acid substitution p.Lys318Glu. To our knowledge, this variant has not been reported in the literature. This variant is reported in 0.14% of alleles in individuals of African descent in gnomAD, which may be too common to be a primary cause of disease. Although we suspect that this variant may be benign, at this time, the clinical significance of this variant is uncertain due to the absence of conclusive functional and genetic evidence.